The following is an entry in ClinVar:

NM_032387.5(WNK4):c.880del (p.Arg294fs)

Genes: WNK4 (WNK lysine deficient protein kinase 4; plus strand), LOC126862568 (CDK7 strongly-dependent group 2 enhancer GRCh37_chr17:40934948-40936147; plus strand). Cytogenetic location: 17q21.2.
Variant type: Deletion.
Coding change: c.880del on transcript NM_032387.5 (MANE Select); coding-DNA position 880, one base deleted (C; older notation c.880delC).
Protein change: p.Arg294fs; shifts the reading frame from arginine 294.
Molecular consequence: frameshift variant. On other transcripts: 5 prime UTR variant (1).
Genome position (GRCh38, 1-based): chr17:42,784,025, C deleted; the last of 3 consecutive C bases (chr17:42,784,023-42,784,025); deleting any one gives the same sequence. VCF-style (leftmost placement, unchanged base first): chr17-42784022-TC-T. GRCh37 (hg19) VCF-style: chr17-40936040-TC-T.
Other names: c.-40del (NM_001321299.2); short protein forms R294fs.
Identifiers: ClinVar variation 2133211 (VCV002133211.4), dbSNP rs2543990546, ClinGen allele CA2580093834.

ClinVar aggregate classification (germline): Uncertain significance (1 of 4 stars; one submission).

Submission:

Labcorp Genetics (formerly Invitae), Labcorp
Classification: Uncertain significance. Last evaluated: 2024-04-29. Review status: criteria provided, single submitter. Criteria: Invitae Variant Classification Sherloc (09022015). Collection method: clinical testing. Allele origin: germline.
Comment: This sequence change creates a premature translational stop signal (p.Arg294Glyfs*107) in the WNK4 gene. It is expected to result in an absent or disrupted protein product. However, the current clinical and genetic evidence is not sufficient to establish whether loss-of-function variants in WNK4 cause disease. This variant is not present in population databases (gnomAD no frequency). This variant has not been reported in the literature in individuals affected with WNK4-related conditions. ClinVar contains an entry for this variant (Variation ID: 2133211). In summary, the available evidence is currently insufficient to determine the role of this variant in disease. Therefore, it has been classified as a Variant of Uncertain Significance.